The following is an entry in ClinVar:

NM_000400.4(ERCC2):c.1933_1934del (p.Gln645fs)

Gene: ERCC2 (ERCC excision repair 2, TFIIH core complex helicase subunit; minus strand). Cytogenetic location: 19q13.32.
Variant type: Deletion.
Coding change: c.1933_1934del on transcript NM_000400.4 (MANE Select); coding-DNA positions 1933 to 1934, 2 bases deleted (CA; older notation c.1933_1934delCA).
Protein change: p.Gln645fs; shifts the reading frame from glutamine 645.
Molecular consequence: frameshift variant.
Genome position (GRCh38, 1-based): chr19:45,352,618-45,352,619, TG deleted on the plus strand (CA on the coding strand, the reverse complement: ERCC2 is on the minus strand). VCF-style (leftmost placement, unchanged base first): chr19-45352617-CTG-C. GRCh37 (hg19) VCF-style: chr19-45855875-CTG-C.
Other names: short protein forms Q645fs.
Identifiers: ClinVar variation 2736906 (VCV002736906.4), dbSNP rs2513999544, ClinGen allele CA2585785569.

ClinVar aggregate classification (germline): Pathogenic. Review status: criteria provided, multiple submitters, no conflicts (2 of 4 stars). 2 submissions from 2 submitters: Pathogenic (2). Last evaluated 2024-11-21.

Conditions:
ERCC2-related disorder. Also called: ERCC2-related disorders; ERCC2-related conditions; ERCC2-related condition. Identifiers: MedGen CN239291.

Allele frequency attached by ClinVar (database versions not stated): gnomAD exomes 0.00001.

Submissions (2):

Myriad Genetics, Inc.
Classification: Pathogenic for ERCC2-related disorder. Last evaluated: 2024-11-21. Review status: criteria provided, single submitter. Criteria: Myriad Autosomal Dominant, Autosomal Recessive and X-Linked Classification Criteria (2023). Collection method: clinical testing. Allele origin: unknown.
Comment: NM_000400.3(ERCC2):c.1933_1934delCA(Q645Dfs*3) is expected to be pathogenic in the context of ERCC2-related disorders. This variant is predicted to lead to an abnormal or absent protein product due to the creation of a premature termination codon in ERCC2, a gene where loss-of-function variants are known to be pathogenic. Please note: this variant was assessed in the context of healthy population screening.

Labcorp Genetics (formerly Invitae), Labcorp
Classification: Pathogenic. Last evaluated: 2023-11-03. Review status: criteria provided, single submitter. Criteria: Invitae Variant Classification Sherloc (09022015). Collection method: clinical testing. Allele origin: germline.
Comment: This sequence change creates a premature translational stop signal (p.Gln645Aspfs*3) in the ERCC2 gene. It is expected to result in an absent or disrupted protein product. Loss-of-function variants in ERCC2 are known to be pathogenic (PMID: 9238033, 11335038, 19085937, 19934020). This variant is not present in population databases (gnomAD no frequency). This premature translational stop signal has been observed in individual(s) with xeroderma pigmentosum (PMID: 26884178). For these reasons, this variant has been classified as Pathogenic.

Literature cited by the submitters: PubMed 9238033 (cited by Labcorp Genetics (formerly Invitae), Labcorp); PubMed 11335038 (cited by Labcorp Genetics (formerly Invitae), Labcorp); PubMed 19085937 (cited by Labcorp Genetics (formerly Invitae), Labcorp); PubMed 19934020 (cited by Labcorp Genetics (formerly Invitae), Labcorp); PubMed 26884178 (cited by Labcorp Genetics (formerly Invitae), Labcorp).